The following is an entry in ClinVar:

ClinVar aggregate classification (germline): Conflicting classifications of pathogenicity. Review status: criteria provided, conflicting classifications (1 of 4 stars). 2 submissions from 2 submitters: Uncertain significance (1); Likely benign (1). Last evaluated 2025-06-10.

Conditions:
Developmental and epileptic encephalopathy, 42 (DEE42A). Also called: DEVELOPMENTAL AND EPILEPTIC ENCEPHALOPATHY 42A; EPILEPTIC ENCEPHALOPATHY, EARLY INFANTILE, 42A; Epileptic encephalopathy, early infantile, 42. Identifiers: MedGen C4310716, MONDO:0014917, OMIM 617106.
Episodic ataxia type 2 (EA2). Also called: ATAXIA, EPISODIC, WITH NYSTAGMUS; ATAXIA, FAMILIAL PAROXYSMAL; CEREBELLAR ATAXIA, PAROXYSMAL, ACETAZOLAMIDE-RESPONSIVE; CEREBELLOPATHY, HEREDITARY PAROXYSMAL; EPISODIC ATAXIA, NYSTAGMUS-ASSOCIATED; ACETAZOLAMIDE-RESPONSIVE HEREDITARY PAROXYSMAL CEREBELLAR ATAXIA. Identifiers: Orphanet 97, MedGen C1720416, MONDO:0007163, OMIM 108500.
Inborn genetic diseases. Identifiers: MedGen C0950123, MeSH D030342.

gnomAD v4.1: 2 of 1,537,406 alleles (0.00013%); highest among the groups gnomAD compares: Admixed American, 0.0039%; no homozygotes.

Submissions (2):

Labcorp Genetics (formerly Invitae), Labcorp
Classification: Uncertain significance for Developmental and epileptic encephalopathy, 42; Episodic ataxia type 2. Last evaluated: 2025-06-10. Review status: criteria provided, single submitter. Criteria: Invitae Variant Classification Sherloc (09022015). Collection method: clinical testing. Allele origin: germline.
Comment: This sequence change affects codon 2188 of the CACNA1A mRNA. It is a 'silent' change, meaning that it does not change the encoded amino acid sequence of the CACNA1A protein. This variant is present in population databases (no rsID available, gnomAD 0.004%). This variant has not been reported in the literature in individuals affected with CACNA1A-related conditions. ClinVar contains an entry for this variant (Variation ID: 1473439). Algorithms developed to predict the effect of sequence changes on RNA splicing suggest that this variant may create or strengthen a splice site. In summary, the available evidence is currently insufficient to determine the role of this variant in disease. Therefore, it has been classified as a Variant of Uncertain Significance.

Ambry Genetics
Classification: Likely benign for Inborn genetic diseases. Last evaluated: 2019-05-12. Review status: criteria provided, single submitter. Criteria: Ambry Variant Classification Scheme 2023. Collection method: clinical testing. Allele origin: germline.

NM_001127222.2(CACNA1A):c.6561C>A (p.Ser2187=)

Gene: CACNA1A (calcium voltage-gated channel subunit alpha1 A; minus strand). Cytogenetic location: 19p13.13.
Variant type: single nucleotide variant.
Coding change: c.6561C>A on transcript NM_001127222.2 (MANE Select); coding-DNA position 6561, C replaced by A.
Protein change: p.Ser2187=; no amino-acid change (serine 2187 retained).
Molecular consequence: synonymous variant.
Genome position (GRCh38, 1-based): chr19:13,208,975, G>T on the plus strand (C>A on the coding strand, the complement: CACNA1A is on the minus strand). VCF-style: chr19-13208975-G-T. GRCh37 (hg19) VCF-style: chr19-13319789-G-T.
Other names: c.6579C>A, p.Ser2193= (NM_000068.4, NM_023035.3); c.6564C>A, p.Ser2188= (NM_001127221.2); c.6570C>A, p.Ser2190= (NM_001174080.2).
Identifiers: ClinVar variation 1473439 (VCV001473439.8), dbSNP rs371116746, ClinGen allele CA505659351.